The following is an entry in ClinVar:

NM_006397.3(RNASEH2A):c.199+1G>C

Gene: RNASEH2A (ribonuclease H2 subunit A; plus strand). Cytogenetic location: 19p13.13.
Variant type: single nucleotide variant.
Coding change: c.199+1G>C on transcript NM_006397.3 (MANE Select); the canonical splice donor site of the intron after coding-DNA position 199, G replaced by C.
Molecular consequence: splice donor variant.
Genome position (GRCh38, 1-based): chr19:12,807,080, G>C. VCF-style: chr19-12807080-G-C. GRCh37 (hg19) VCF-style: chr19-12917894-G-C.
Identifiers: ClinVar variation 2202408 (VCV002202408.6), dbSNP rs1289090477, ClinGen allele CA404264433.

ClinVar aggregate classification (germline): Likely pathogenic. Review status: criteria provided, multiple submitters, no conflicts (2 of 4 stars). 3 submissions from 3 submitters: Likely pathogenic (3). Last evaluated 2024-07-03.

Conditions:
RNASEH2A-related disorder. Also called: RNASEH2A-related condition.
Aicardi-Goutieres syndrome 4. Identifiers: Orphanet 51, MedGen C1835912, MONDO:0012472, OMIM 610333.

Allele frequency attached by ClinVar (database versions not stated): TOPMed 0.00001.
gnomAD v4.1: 4 of 1,614,042 alleles (0.00025%); highest among the groups gnomAD compares: Admixed American, 0.005%; no homozygotes.

Submissions (3):

Labcorp Genetics (formerly Invitae), Labcorp
Classification: Likely pathogenic for Aicardi-Goutieres syndrome 4. Last evaluated: 2024-07-03. Review status: criteria provided, single submitter. Criteria: Invitae Variant Classification Sherloc (09022015). Collection method: clinical testing. Allele origin: germline.
Comment: This sequence change affects a donor splice site in intron 2 of the RNASEH2A gene. It is expected to disrupt RNA splicing. Variants that disrupt the donor or acceptor splice site typically lead to a loss of protein function (PMID: 16199547), and loss-of-function variants in RNASEH2A are known to be pathogenic (PMID: 21454563, 25274781). This variant is present in population databases (no rsID available, gnomAD 0.003%). This variant has not been reported in the literature in individuals affected with RNASEH2A-related conditions. ClinVar contains an entry for this variant (Variation ID: 2202408). Algorithms developed to predict the effect of sequence changes on RNA splicing suggest that this variant may disrupt the consensus splice site. In summary, the currently available evidence indicates that the variant is pathogenic, but additional data are needed to prove that conclusively. Therefore, this variant has been classified as Likely Pathogenic.

Fulgent Genetics
Classification: Likely pathogenic for Aicardi-Goutieres syndrome 4. Last evaluated: 2024-03-30. Review status: criteria provided, single submitter. Criteria: ACMG Guidelines, 2015. Collection method: clinical testing. Allele origin: germline.

Blueprint Genetics
Classification: Likely pathogenic for RNASEH2A-related disorders. Last evaluated: 2018-12-05. Review status: criteria provided, single submitter. Criteria: ACMG Guidelines, 2015. Collection method: clinical testing. Allele origin: germline. Affected: yes. Observed: 1 variant allele.

Literature cited by the submitters: PubMed 16199547 (cited by Labcorp Genetics (formerly Invitae), Labcorp); PubMed 21454563 (cited by Labcorp Genetics (formerly Invitae), Labcorp); PubMed 25274781 (cited by Labcorp Genetics (formerly Invitae), Labcorp).